The following is an entry in ClinVar:

NM_000152.5(GAA):c.1381G>C (p.Gly461Arg)

Gene: GAA (alpha glucosidase; plus strand). Cytogenetic location: 17q25.3.
Variant type: single nucleotide variant.
Coding change: c.1381G>C on transcript NM_000152.5 (MANE Select); coding-DNA position 1381, G replaced by C.
Protein change: p.Gly461Arg; replaces glycine 461 with arginine.
Molecular consequence: missense variant.
Genome position (GRCh38, 1-based): chr17:80,109,999, G>C. VCF-style: chr17-80109999-G-C. GRCh37 (hg19) VCF-style: chr17-78083798-G-C.
Other names: c.1381G>C, p.Gly461Arg (NM_001406742.1, NM_001079803.3, NM_001079804.3 and 1 more transcripts); short protein forms G461R.
Identifiers: ClinVar variation 4876510 (VCV004876510.1).

ClinVar aggregate classification (germline): Uncertain significance (1 of 4 stars; one submission).

Conditions:
Glycogen storage disease, type II (IOPD). Also called: Pompe Disease; CARDIOMEGALIA GLYCOGENICA DIFFUSA; GLYCOGENOSIS, GENERALIZED, CARDIAC FORM; GSD II; POMPE DISEASE, INFANTILE-ONSET; GLYCOGEN STORAGE DISEASE II, INFANTILE-ONSET. Identifiers: Orphanet 365, MedGen C0017921, MONDO:0009290, OMIM 232300.

Submission:

Genomenon, Inc
Classification: Uncertain significance for Glycogen storage disease, type II. Last evaluated: 2026-07-01. Review status: criteria provided, single submitter. Criteria: Genomenon Sequence Variant Interpretation Standards - Updated. Collection method: curation. Allele origin: germline. Affected: yes.
Comment: GAA p.Gly461Arg (c.1381G>C) is a missense variant that changes the amino acid at codon 461 from Glycine to Arginine. This variant has been observed in at least one proband with a GAA-related disorder in the compound heterozygous and/or homozygous state (PMID:36137614). It is absent or not present at a significant frequency in gnomAD. In silico models predict that this variant is possibly or probably damaging. In conclusion, we classify GAA p.Gly461Arg (c.1381G>C) as a variant of uncertain significance.

Literature cited by the submitters: PubMed 36137614.